The following is an entry in ClinVar:

ClinVar aggregate classification (germline): Uncertain significance (1 of 4 stars; one submission).

gnomAD v4.1: 2 of 1,613,430 alleles (0.00012%); highest among the groups gnomAD compares: African/African-American, 0.0027%; no homozygotes.

Submission:

Labcorp Genetics (formerly Invitae), Labcorp
Classification: Uncertain significance. Last evaluated: 2025-06-17. Review status: criteria provided, single submitter. Criteria: Invitae Variant Classification Sherloc (09022015). Collection method: clinical testing. Allele origin: germline.
Comment: This sequence change replaces tyrosine, which is neutral and polar, with cysteine, which is neutral and slightly polar, at codon 282 of the TYR protein (p.Tyr282Cys). This variant is not present in population databases (gnomAD no frequency). This variant has not been reported in the literature in individuals affected with TYR-related conditions. Invitae Evidence Modeling of protein sequence and biophysical properties (such as structural, functional, and spatial information, amino acid conservation, physicochemical variation, residue mobility, and thermodynamic stability) indicates that this missense variant is expected to disrupt TYR protein function with a positive predictive value of 95%. In summary, the available evidence is currently insufficient to determine the role of this variant in disease. Therefore, it has been classified as a Variant of Uncertain Significance.

NM_000372.5(TYR):c.845A>G (p.Tyr282Cys)

Gene: TYR (tyrosinase; plus strand). Cytogenetic location: 11q14.3.
Variant type: single nucleotide variant.
Coding change: c.845A>G on transcript NM_000372.5 (MANE Select); coding-DNA position 845, A replaced by G.
Protein change: p.Tyr282Cys; replaces tyrosine 282 with cysteine.
Molecular consequence: missense variant.
Genome position (GRCh38, 1-based): chr11:89,191,227, A>G. VCF-style: chr11-89191227-A-G. GRCh37 (hg19) VCF-style: chr11-88924395-A-G.
Other names: short protein forms Y282C.
Identifiers: ClinVar variation 4702951 (VCV004702951.1).
Genomic context (GRCh38, chr11:89,191,227, plus strand): 5'-TGACAATTTGTTTAACATGAGGGTGTTTTGTACAGATTGTCTGTAGCCGATTGGAGGAGT[A>G]CAACAGCCATCAGTCTTTATGCAATGGAACGCCCGAGGGACCTTTACGGCGTAATCCTGG-3'
Protein context (NP_000363.1, residues 272-292): WQIVCSRLEE[Tyr282Cys]NSHQSLCNGT